The following is an entry in ClinVar:

NM_001379500.1(COL18A1):c.107-11951G>A

Gene: COL18A1 (collagen type XVIII alpha 1 chain; plus strand). Cytogenetic location: 21q22.3.
Variant type: single nucleotide variant.
Coding change: c.107-11951G>A on transcript NM_001379500.1 (MANE Select); 11951 bases into the intron before coding-DNA position 107, G replaced by A.
Molecular consequence: intron variant. On other transcripts: missense variant (1).
Genome position (GRCh38, 1-based): chr21:45,456,291, G>A. VCF-style: chr21-45456291-G-A. GRCh37 (hg19) VCF-style: chr21-46876205-G-A.
Other names: c.761G>A, p.Arg254His (NM_130444.3); c.646+115G>A (NM_030582.4); short protein forms R254H.
Identifiers: ClinVar variation 4989946 (VCV004989946.1).

ClinVar aggregate classification (germline): Uncertain significance (1 of 4 stars; one submission).

Conditions:
COL18A1-related disorder. Also called: COL18A1-related disorders; COL18A1-related condition.

gnomAD v4.1: 22 of 1,563,956 alleles (0.0014%); highest among the groups gnomAD compares: Admixed American, 0.0057%; no homozygotes.

Submission:

PreventionGenetics, part of Exact Sciences
Classification: Uncertain significance for COL18A1-related condition. Last evaluated: 2025-04-25. Review status: criteria provided, single submitter. Criteria: ACMG Guidelines, 2015. Collection method: clinical testing. Allele origin: germline.
Comment: The COL18A1 c.761G>A variant is predicted to result in the amino acid substitution p.Arg254His. In other transcripts, this variant is deep intronic (NM_130445, c.107-11951G>A; NM_030582, c.646+115G>A). To our knowledge, this variant has not been reported in the literature. This variant is reported in 0.0039% of alleles in individuals of Latino descent in gnomAD. At this time, the clinical significance of this variant is uncertain due to the absence of conclusive functional and genetic evidence.